The following is an entry in ClinVar:

NM_000384.3(APOB):c.1189T>C (p.Trp397Arg)

Gene: APOB (apolipoprotein B; minus strand). Cytogenetic location: 2p24.1.
Variant type: single nucleotide variant.
Coding change: c.1189T>C on transcript NM_000384.3 (MANE Select); coding-DNA position 1189, T replaced by C.
Protein change: p.Trp397Arg; replaces tryptophan 397 with arginine.
Molecular consequence: missense variant.
Genome position (GRCh38, 1-based): chr2:21,032,517, A>G on the plus strand (T>C on the coding strand, the complement: APOB is on the minus strand). VCF-style: chr2-21032517-A-G. GRCh37 (hg19) VCF-style: chr2-21255389-A-G.
Other names: short protein forms W397R.
Identifiers: ClinVar variation 3769133 (VCV003769133.2).
Genomic context (GRCh38, chr2:21,032,517, plus strand): 5'-GGGCCACCAGGTAGGTGACCACATCTATCAGAAGGGGGTTGGCATGCACACGTTTCAGCC[A>G]CTGGAGGATGTGAGTGGAGCACTGAGGCTGTCCACACTGAACCAAGGCTTGTAAAGTGAT-3'
Protein context (NP_000375.3, residues 387-407): QPQCSTHILQ[Trp397Arg]LKRVHANPLL

ClinVar aggregate classification (germline): Uncertain significance (1 of 4 stars; one submission).

gnomAD v4.1: 1 of 1,614,194 alleles (0.000062%); no homozygotes.

Submission:

Women's Health and Genetics/Laboratory Corporation of America, LabCorp
Classification: Uncertain significance. Last evaluated: 2025-01-13. Review status: criteria provided, single submitter. Criteria: LabCorp Variant Classification Summary - May 2015. Collection method: clinical testing. Allele origin: germline.
Comment: Variant summary: APOB c.1189T>C (p.Trp397Arg) results in a non-conservative amino acid change located in the Vitellogenin domain (IPR001747) of the encoded protein sequence. Three of five in-silico tools predict a damaging effect of the variant on protein function. The variant allele was found at a frequency of 4e-06 in 251398 control chromosomes. The available data on variant occurrences in the general population are insufficient to allow any conclusion about variant significance. To our knowledge, no occurrence of c.1189T>C in individuals affected with Early Onset Coronary Artery Disease and no experimental evidence demonstrating its impact on protein function have been reported. No submitters have cited clinical-significance assessments for this variant to ClinVar. Based on the evidence outlined above, the variant was classified as uncertain significance.